The following is an entry in ClinVar:

NM_001286.5(CLCN6):c.510G>C (p.Lys170Asn)

Gene: CLCN6 (chloride voltage-gated channel 6; plus strand). Cytogenetic location: 1p36.22.
Variant type: single nucleotide variant.
Coding change: c.510G>C on transcript NM_001286.5 (MANE Select); coding-DNA position 510, G replaced by C.
Protein change: p.Lys170Asn; replaces lysine 170 with asparagine.
Molecular consequence: missense variant. On other transcripts: non-coding transcript variant (1).
Genome position (GRCh38, 1-based): chr1:11,823,763, G>C. VCF-style: chr1-11823763-G-C. GRCh37 (hg19) VCF-style: chr1-11883820-G-C.
Other names: c.444G>C, p.Lys148Asn (NM_001256959.2); c.510G>C (NM_001286.2); short protein forms K148N, K170N.
Identifiers: ClinVar variation 1479347 (VCV001479347.7), dbSNP rs1272537905, ClinGen allele CA338427892.
Genomic context (GRCh38, chr1:11,823,763, plus strand): 5'-TCAGCCGGTGGCAGCAGGTTCCGGGATACCCGAGGTCAAATGCTATCTGAATGGCGTAAA[G>C]GTGCCAGGAATCGTCCGTCTCCGGACCCTGCTCTGCAAGGTCCTTGGAGTGCTGTTCAGT-3'
Protein context (NP_001277.2, residues 160-180): PEVKCYLNGV[Lys170Asn]VPGIVRLRTL

ClinVar aggregate classification (germline): Uncertain significance. Review status: criteria provided, multiple submitters, no conflicts (2 of 4 stars). 2 submissions from 2 submitters: Uncertain significance (2). Last evaluated 2025-11-11.

Allele frequency attached by ClinVar (database versions not stated): gnomAD exomes 0.00001 and 0.00002; gnomAD 0.00002; TOPMed 0.00002.
gnomAD v4.1: 11 of 1,614,176 alleles (0.00068%); highest among the groups gnomAD compares: Admixed American, 0.017%; no homozygotes.

Submissions (2):

Ambry Genetics
Classification: Uncertain significance. Last evaluated: 2025-11-11. Review status: criteria provided, single submitter. Criteria: Ambry Variant Classification Scheme 2023. Collection method: clinical testing. Allele origin: germline.

Labcorp Genetics (formerly Invitae), Labcorp
Classification: Uncertain significance. Last evaluated: 2025-07-27. Review status: criteria provided, single submitter. Criteria: Invitae Variant Classification Sherloc (09022015). Collection method: clinical testing. Allele origin: germline.
Comment: This sequence change replaces lysine, which is basic and polar, with asparagine, which is neutral and polar, at codon 170 of the CLCN6 protein (p.Lys170Asn). This variant is present in population databases (no rsID available, gnomAD 0.02%). This variant has not been reported in the literature in individuals affected with CLCN6-related conditions. ClinVar contains an entry for this variant (Variation ID: 1479347). An algorithm developed to predict the effect of missense changes on protein structure and function (PolyPhen-2) suggests that this variant is likely to be disruptive. In summary, the available evidence is currently insufficient to determine the role of this variant in disease. Therefore, it has been classified as a Variant of Uncertain Significance.